The following is an entry in ClinVar:

ClinVar aggregate classification (germline): Uncertain significance. Review status: criteria provided, multiple submitters, no conflicts (2 of 4 stars). 3 submissions from 3 submitters: Uncertain significance (3). Last evaluated 2025-01-03.

Conditions:
Progressive myoclonic epilepsy type 3. Also called: KCTD7-Related Progressive Myoclonic Epilepsy; EPILEPSY, PROGRESSIVE MYOCLONIC, 3, WITH OR WITHOUT INTRACELLULAR INCLUSIONS; CEROID LIPOFUSCINOSIS, NEURONAL, 14; EPILEPSY, PROGRESSIVE MYOCLONIC, 3, WITHOUT INTRACELLULAR INCLUSIONS. Identifiers: Orphanet 263516, MedGen C2673257, MONDO:0012721, OMIM 611726.

Allele frequency attached by ClinVar (database versions not stated): gnomAD 0.00002 and 0.00003; TOPMed 0.00003; gnomAD exomes 0.00004 and 0.00005; ExAC 0.00007.
gnomAD v4.1: 55 of 1,614,092 alleles (0.0034%); highest among the groups gnomAD compares: Middle Eastern, 0.016%; no homozygotes.

Submissions (3):

Athena Diagnostics
Classification: Uncertain significance. Last evaluated: 2025-01-03. Review status: criteria provided, single submitter. Criteria: Athena Diagnostics Criteria. Collection method: clinical testing. Allele origin: unknown.
Comment: Available data are insufficient to determine the clinical significance of the variant at this time. The frequency of this variant in the general population is uninformative in assessment of its pathogenicity. Polyphen and MutationTaster predict this amino acid change may be benign.

Labcorp Genetics (formerly Invitae), Labcorp
Classification: Uncertain significance for Progressive myoclonic epilepsy type 3. Last evaluated: 2024-02-17. Review status: criteria provided, single submitter. Criteria: Invitae Variant Classification Sherloc (09022015). Collection method: clinical testing. Allele origin: germline.
Comment: This sequence change replaces isoleucine, which is neutral and non-polar, with valine, which is neutral and non-polar, at codon 134 of the KCTD7 protein (p.Ile134Val). This variant is present in population databases (rs751720071, gnomAD 0.02%). This variant has not been reported in the literature in individuals affected with KCTD7-related conditions. ClinVar contains an entry for this variant (Variation ID: 658212). Advanced modeling of protein sequence and biophysical properties (such as structural, functional, and spatial information, amino acid conservation, physicochemical variation, residue mobility, and thermodynamic stability) performed at Invitae indicates that this missense variant is not expected to disrupt KCTD7 protein function with a negative predictive value of 80%. In summary, the available evidence is currently insufficient to determine the role of this variant in disease. Therefore, it has been classified as a Variant of Uncertain Significance.

Illumina Laboratory Services, Illumina
Classification: Uncertain significance for Progressive myoclonic epilepsy type 3. Last evaluated: 2018-01-12. Review status: criteria provided, single submitter. Criteria: ICSL Variant Classification Criteria 13 December 2019. Collection method: clinical testing. Allele origin: germline.

Literature cited by the submitters: PubMed 31653631 (cited by Athena Diagnostics).

NM_153033.5(KCTD7):c.400A>G (p.Ile134Val)

Gene: KCTD7 (potassium channel tetramerization domain containing 7; plus strand). Cytogenetic location: 7q11.21.
Variant type: single nucleotide variant.
Coding change: c.400A>G on transcript NM_153033.5 (MANE Select); coding-DNA position 400, A replaced by G.
Protein change: p.Ile134Val; replaces isoleucine 134 with valine.
Molecular consequence: missense variant.
Genome position (GRCh38, 1-based): chr7:66,638,338, A>G. VCF-style: chr7-66638338-A-G. GRCh37 (hg19) VCF-style: chr7-66103325-A-G.
Other names: c.400A>G, p.Ile134Val (NM_001167961.2); short protein forms I134V.
Identifiers: ClinVar variation 658212 (VCV000658212.10), dbSNP rs751720071, ClinGen allele CA4278249.